The following is an entry in ClinVar:

ClinVar aggregate classification (germline): Uncertain significance (1 of 4 stars; one submission).

Submission:

GeneDx
Classification: Uncertain significance. Last evaluated: 2023-03-01. Review status: criteria provided, single submitter. Criteria: GeneDx Variant Classification Process June 2021. Collection method: clinical testing. Allele origin: germline. Affected: yes.
Comment: Not observed at significant frequency in large population cohorts (gnomAD); In silico analysis supports that this missense variant has a deleterious effect on protein structure/function; Has not been previously published as pathogenic or benign to our knowledge

NM_006662.3(SRCAP):c.9166G>C (p.Asp3056His)

Gene: SRCAP (Snf2 related CREBBP activator protein; plus strand). Cytogenetic location: 16p11.2.
Variant type: single nucleotide variant.
Coding change: c.9166G>C on transcript NM_006662.3 (MANE Select); coding-DNA position 9166, G replaced by C.
Protein change: p.Asp3056His; replaces aspartic acid 3056 with histidine.
Molecular consequence: missense variant.
Genome position (GRCh38, 1-based): chr16:30,739,206, G>C. VCF-style: chr16-30739206-G-C. GRCh37 (hg19) VCF-style: chr16-30750527-G-C.
Other names: short protein forms D3056H.
Identifiers: ClinVar variation 2578047 (VCV002578047.1), dbSNP rs2543430679, ClinGen allele CA395643327.